The following is an entry in ClinVar:

ClinVar aggregate classification (germline): Uncertain significance. Review status: criteria provided, multiple submitters, no conflicts (2 of 4 stars). 2 submissions from 2 submitters: Uncertain significance (2). Last evaluated 2021-11-22.

gnomAD v4.1: 5 of 1,371,134 alleles (0.00036%); highest among the groups gnomAD compares: Non-Finnish European, 0.00047%; no homozygotes.

Submissions (2):

Labcorp Genetics (formerly Invitae), Labcorp
Classification: Uncertain significance. Last evaluated: 2021-11-22. Review status: criteria provided, single submitter. Criteria: Invitae Variant Classification Sherloc (09022015). Collection method: clinical testing. Allele origin: germline.
Comment: This sequence change replaces proline, which is neutral and non-polar, with histidine, which is basic and polar, at codon 135 of the GRM6 protein (p.Pro135His). This variant is not present in population databases (gnomAD no frequency). This variant has not been reported in the literature in individuals affected with GRM6-related conditions. Advanced modeling of protein sequence and biophysical properties (such as structural, functional, and spatial information, amino acid conservation, physicochemical variation, residue mobility, and thermodynamic stability) performed at Invitae indicates that this missense variant is not expected to disrupt GRM6 protein function. In summary, the available evidence is currently insufficient to determine the role of this variant in disease. Therefore, it has been classified as a Variant of Uncertain Significance.

Blueprint Genetics
Classification: Uncertain significance. Last evaluated: 2017-08-15. Review status: criteria provided, single submitter. Criteria: ACMG Guidelines, 2015. Collection method: clinical testing. Allele origin: germline.

NM_000843.4(GRM6):c.404C>A (p.Pro135His)

Gene: GRM6 (glutamate metabotropic receptor 6; minus strand). Cytogenetic location: 5q35.3.
Variant type: single nucleotide variant.
Coding change: c.404C>A on transcript NM_000843.4 (MANE Select); coding-DNA position 404, C replaced by A.
Protein change: p.Pro135His; replaces proline 135 with histidine.
Molecular consequence: missense variant.
Genome position (GRCh38, 1-based): chr5:178,994,541, G>T on the plus strand (C>A on the coding strand, the complement: GRM6 is on the minus strand). VCF-style: chr5-178994541-G-T. GRCh37 (hg19) VCF-style: chr5-178421542-G-T.
Other names: short protein forms P135H.
Identifiers: ClinVar variation 1492373 (VCV001492373.4), dbSNP rs1034464770, ClinGen allele CA362435896.
Genomic context (GRCh38, chr5:178,994,541, plus strand): 5'-GAGCTGGCCGAGGCGCCCACGACGGCCACGACGCGCTCGGGGGGCGCGGGGCGCAGCGGA[G>T]GGACGCCTCCCGGGCAGCGCACGCCCACCTCGTCGCCGTCGCCGCGGCCGCGGATCAGCG-3'
Protein context (NP_000834.2, residues 125-145): EVGVRCPGGV[Pro135His]PLRPAPPERV